The following is an entry in ClinVar:

NM_001040108.2(MLH3):c.1992A>G (p.Lys664=)

Gene: MLH3 (mutL homolog 3; minus strand). Cytogenetic location: 14q24.3.
Variant type: single nucleotide variant.
Coding change: c.1992A>G on transcript NM_001040108.2 (MANE Select); coding-DNA position 1992, A replaced by G.
Protein change: p.Lys664=; no amino-acid change (lysine 664 retained).
Molecular consequence: synonymous variant.
Genome position (GRCh38, 1-based): chr14:75,047,664, T>C on the plus strand (A>G on the coding strand, the complement: MLH3 is on the minus strand). VCF-style: chr14-75047664-T-C. GRCh37 (hg19) VCF-style: chr14-75514367-T-C.
Other names: c.1992A>G, p.Lys664= (NM_014381.3).
Identifiers: ClinVar variation 1783982 (VCV001783982.3), dbSNP rs1047878730, ClinGen allele CA263652648.

ClinVar aggregate classification (germline): Benign/Likely benign. Review status: criteria provided, multiple submitters, no conflicts (2 of 4 stars). 2 submissions from 2 submitters: Benign (1); Likely benign (1). Last evaluated 2026-05-04.

Conditions:
Colorectal cancer, hereditary nonpolyposis, type 7. Identifiers: Orphanet 144, MedGen C1858380, MONDO:0013725, OMIM 614385.

Allele frequency attached by ClinVar (database versions not stated): gnomAD 0.00001; gnomAD exomes below 0.00001; TOPMed 0.00001.
gnomAD v4.1: 3 of 1,613,932 alleles (0.00019%); highest among the groups gnomAD compares: African/African-American, 0.004%; no homozygotes.

Submissions (2):

Myriad Genetics, Inc.
Classification: Benign for Colorectal cancer, hereditary nonpolyposis, type 7. Last evaluated: 2026-05-04. Review status: criteria provided, single submitter. Criteria: Myriad Autosomal Dominant, Autosomal Recessive and X-Linked Classification Criteria (2023). Collection method: clinical testing. Allele origin: unknown.
Comment: This variant is considered benign. This variant is a silent/synonymous amino acid change and it is not expected to impact splicing.

Ambry Genetics
Classification: Likely benign. Last evaluated: 2021-08-07. Review status: criteria provided, single submitter. Criteria: Ambry Variant Classification Scheme 2023. Collection method: clinical testing. Allele origin: germline.